The following is an entry in ClinVar:

ClinVar aggregate classification (germline): Uncertain significance (1 of 4 stars; one submission).

Conditions:
Developmental and epileptic encephalopathy, 36 (DEE36). Also called: Congenital disorder of glycosylation, type Is; Epileptic encephalopathy, early infantile, 36; ALG13-CDG. Identifiers: Orphanet 324422, MedGen C4317295, MONDO:0010472, OMIM 300884.

Allele frequency attached by ClinVar (database versions not stated): TOPMed below 0.00001.

Submission:

Labcorp Genetics (formerly Invitae), Labcorp
Classification: Uncertain significance for Developmental and epileptic encephalopathy, 36. Last evaluated: 2023-10-12. Review status: criteria provided, single submitter. Criteria: Invitae Variant Classification Sherloc (09022015). Collection method: clinical testing. Allele origin: germline.
Comment: This sequence change replaces glycine, which is neutral and non-polar, with aspartic acid, which is acidic and polar, at codon 120 of the ALG13 protein (p.Gly120Asp). This variant is not present in population databases (gnomAD no frequency). This variant has not been reported in the literature in individuals affected with ALG13-related conditions. ClinVar contains an entry for this variant (Variation ID: 1375846). An algorithm developed to predict the effect of missense changes on protein structure and function (PolyPhen-2) suggests that this variant is likely to be disruptive. In summary, the available evidence is currently insufficient to determine the role of this variant in disease. Therefore, it has been classified as a Variant of Uncertain Significance.

NM_001099922.3(ALG13):c.359G>A (p.Gly120Asp)

Gene: ALG13 (ALG13 UDP-N-acetylglucosaminyltransferase subunit; plus strand). Cytogenetic location: Xq23.
Variant type: single nucleotide variant.
Coding change: c.359G>A on transcript NM_001099922.3 (MANE Select); coding-DNA position 359, G replaced by A.
Protein change: p.Gly120Asp; replaces glycine 120 with aspartic acid.
Molecular consequence: missense variant. On other transcripts: synonymous variant (1), non-coding transcript variant (3).
Genome position (GRCh38, 1-based): chrX:111,685,079, G>A. VCF-style: chrX-111685079-G-A. GRCh37 (hg19) VCF-style: chrX-110928307-G-A.
Other names: c.300G>A, p.Gly100= (NM_001039210.5); c.359G>A, p.Gly120Asp (NM_001168385.3, NM_001324292.2, NM_018466.6); c.47G>A, p.Gly16Asp (NM_001257230.2, NM_001257234.2, NM_001257235.3 and 6 more transcripts); c.125G>A, p.Gly42Asp (NM_001257231.2, NM_001257241.3); c.365G>A, p.Gly122Asp (NM_001324290.2); short protein forms G120D, G122D, G16D, G42D.
Identifiers: ClinVar variation 1375846 (VCV001375846.4), dbSNP rs1934591547, ClinGen allele CA414248784.